The following is an entry in ClinVar:

ClinVar aggregate classification (germline): Likely pathogenic. Review status: criteria provided, multiple submitters, no conflicts (2 of 4 stars). 3 submissions from 3 submitters: Likely pathogenic (3). Last evaluated 2024-06-25.

Conditions:
Hereditary nonpolyposis colorectal neoplasms. Identifiers: MedGen C0009405, MeSH D003123.
Hereditary cancer-predisposing syndrome. Also called: Hereditary Cancer Syndrome; Hereditary neoplastic syndrome; Neoplastic Syndromes, Hereditary; Tumor predisposition. Identifiers: Orphanet 140162, MedGen C0027672, MeSH D009386, MONDO:0015356.
Lynch syndrome 4 (LYNCH4). Also called: Colorectal cancer, hereditary nonpolyposis, type 4; Hereditary non-polyposis colorectal cancer, type 4. Identifiers: Orphanet 144, MedGen C1838333, MONDO:0013699, OMIM 614337. Disease mechanism: loss of function.

Submissions (3):

Labcorp Genetics (formerly Invitae), Labcorp
Classification: Likely pathogenic for Hereditary nonpolyposis colorectal neoplasms. Last evaluated: 2024-06-25. Review status: criteria provided, single submitter. Criteria: Invitae Variant Classification Sherloc (09022015). Collection method: clinical testing. Allele origin: germline.
Comment: This sequence change affects a donor splice site in intron 11 of the PMS2 gene. It is expected to disrupt RNA splicing. Variants that disrupt the donor or acceptor splice site typically lead to a loss of protein function (PMID: 16199547), and loss-of-function variants in PMS2 are known to be pathogenic (PMID: 21376568, 24362816). This variant is not present in population databases (gnomAD no frequency). This variant has not been reported in the literature in individuals affected with PMS2-related conditions. ClinVar contains an entry for this variant (Variation ID: 455679). Algorithms developed to predict the effect of sequence changes on RNA splicing suggest that this variant may disrupt the consensus splice site. In summary, the currently available evidence indicates that the variant is pathogenic, but additional data are needed to prove that conclusively. Therefore, this variant has been classified as Likely Pathogenic.

Myriad Genetics, Inc.
Classification: Likely pathogenic for Lynch syndrome 4. Last evaluated: 2023-09-21. Review status: criteria provided, single submitter. Criteria: Myriad Autosomal Dominant, Autosomal Recessive and X-Linked Classification Criteria (2023). Collection method: clinical testing. Allele origin: unknown.
Comment: This variant is considered likely pathogenic. This variant occurs within a consensus splice junction and is predicted to result in abnormal mRNA splicing of either an out-of-frame exon or an in-frame exon necessary for protein stability and/or normal function.

Ambry Genetics
Classification: Likely pathogenic for Hereditary cancer-predisposing syndrome. Last evaluated: 2022-06-08. Review status: criteria provided, single submitter. Criteria: Ambry Variant Classification Scheme 2023. Collection method: clinical testing. Allele origin: germline.
Comment: The c.2006+1G>A intronic variant results from a G to A substitution one nucleotide after coding exon 11 of the PMS2 gene. This nucleotide position is highly conserved in available vertebrate species. In silico splice site analysis predicts that this alteration will weaken the native splice donor site. Alterations that disrupt the canonical splice site are expected to cause aberrant splicing, resulting in an abnormal protein or a transcript that is subject to nonsense-mediated mRNA decay. As such, this alteration is classified as likely pathogenic.

Literature cited by the submitters: PubMed 16199547 (cited by Labcorp Genetics (formerly Invitae), Labcorp); PubMed 21376568 (cited by Labcorp Genetics (formerly Invitae), Labcorp); PubMed 24362816 (cited by Labcorp Genetics (formerly Invitae), Labcorp).

NM_000535.7(PMS2):c.2006+1G>A

Gene: PMS2 (PMS1 homolog 2, mismatch repair system component; minus strand). Cytogenetic location: 7p22.1.
Variant type: single nucleotide variant.
Coding change: c.2006+1G>A on transcript NM_000535.7 (MANE Select); the canonical splice donor site of the intron after coding-DNA position 2006, G replaced by A.
Molecular consequence: splice donor variant. On other transcripts: intron variant (1).
Genome position (GRCh38, 1-based): chr7:5,986,758, C>T on the plus strand (G>A on the coding strand, the complement: PMS2 is on the minus strand). VCF-style: chr7-5986758-C-T. GRCh37 (hg19) VCF-style: chr7-6026389-C-T.
Other names: c.1688+1G>A (NM_001322008.2, NM_001406883.1, NM_001406903.1 and 2 more transcripts); c.1697+1G>A (NM_001406881.1, NM_001406879.1, NM_001322015.2 and 5 more transcripts); c.1601+1G>A (NM_001406895.1, NM_001322004.2, NM_001406889.1 and 16 more transcripts); c.1235+1G>A (NM_001406911.1); c.1445+1G>A (NM_001322010.2, NM_001406906.1, NM_001406907.1); c.1532+1G>A (NM_001406902.1, NM_001406901.1); c.1493+1G>A (NM_001406904.1, NM_001406905.1); c.1433+1G>A (NM_001322013.2, NM_001406909.1); and 13 more.
Identifiers: ClinVar variation 455679 (VCV000455679.11), dbSNP rs1554297040, ClinGen allele CA366738839.